The following is an entry in ClinVar:

ClinVar aggregate classification (germline): Uncertain significance. Review status: criteria provided, multiple submitters, no conflicts (2 of 4 stars). 2 submissions from 2 submitters: Uncertain significance (2). Last evaluated 2023-09-14.

Conditions:
RYR1-related disorder. Also called: RYR1-related condition; RYR1-related disorders. Identifiers: MedGen CN239331.

Allele frequency attached by ClinVar (database versions not stated): gnomAD exomes below 0.00001.
gnomAD v4.1: 3 of 1,614,198 alleles (0.00019%); highest among the groups gnomAD compares: Non-Finnish European, 0.00025%; no homozygotes.

Submissions (2):

Blueprint Genetics
Classification: Uncertain significance. Last evaluated: 2023-09-14. Review status: criteria provided, single submitter. Criteria: ACMG Guidelines, 2015. Collection method: clinical testing. Allele origin: germline.

Labcorp Genetics (formerly Invitae), Labcorp
Classification: Uncertain significance for RYR1-related disorder. Last evaluated: 2022-06-03. Review status: criteria provided, single submitter. Criteria: Invitae Variant Classification Sherloc (09022015). Collection method: clinical testing. Allele origin: germline.
Comment: This sequence change replaces proline, which is neutral and non-polar, with leucine, which is neutral and non-polar, at codon 1246 of the RYR1 protein (p.Pro1246Leu). This variant is not present in population databases (gnomAD no frequency). This variant has not been reported in the literature in individuals affected with RYR1-related conditions. ClinVar contains an entry for this variant (Variation ID: 967134). Advanced modeling of protein sequence and biophysical properties (such as structural, functional, and spatial information, amino acid conservation, physicochemical variation, residue mobility, and thermodynamic stability) performed at Invitae indicates that this missense variant is not expected to disrupt RYR1 protein function. In summary, the available evidence is currently insufficient to determine the role of this variant in disease. Therefore, it has been classified as a Variant of Uncertain Significance.

NM_000540.3(RYR1):c.3737C>T (p.Pro1246Leu)

Gene: RYR1 (ryanodine receptor 1; plus strand). Cytogenetic location: 19q13.2.
Variant type: single nucleotide variant.
Coding change: c.3737C>T on transcript NM_000540.3 (MANE Select); coding-DNA position 3737, C replaced by T.
Protein change: p.Pro1246Leu; replaces proline 1246 with leucine.
Molecular consequence: missense variant.
Genome position (GRCh38, 1-based): chr19:38,469,485, C>T. VCF-style: chr19-38469485-C-T. GRCh37 (hg19) VCF-style: chr19-38960125-C-T.
Other names: c.3737C>T, p.Pro1246Leu (NM_001042723.2); short protein forms P1246L.
Identifiers: ClinVar variation 967134 (VCV000967134.11), dbSNP rs945038715, ClinGen allele CA308078071.